The following is an entry in ClinVar:

ClinVar aggregate classification (germline): Uncertain significance (1 of 4 stars; one submission).

Submission:

GeneDx
Classification: Uncertain significance. Last evaluated: 2019-05-02. Review status: criteria provided, single submitter. Criteria: GeneDx Variant Classification Process June 2021. Collection method: clinical testing. Allele origin: germline. Affected: yes.
Comment: Has not been previously published as pathogenic or benign to our knowledge; Not observed in large population cohorts (Lek et al., 2016); In silico analysis, which includes protein predictors and evolutionary conservation, supports that this variant does not alter protein structure/function

NM_020297.4(ABCC9):c.4630T>G (p.Phe1544Val)

Genes: ABCC9 (ATP binding cassette subfamily C member 9; minus strand), KCNJ8-AS1 (KCNJ8 antisense RNA 1; plus strand). Cytogenetic location: 12p12.1.
Variant type: single nucleotide variant.
Coding change: c.4630T>G on transcript NM_020297.4 (MANE Select); coding-DNA position 4630, T replaced by G.
Protein change: p.Phe1544Val; replaces phenylalanine 1544 with valine.
Molecular consequence: missense variant. On other transcripts: 3 prime UTR variant (1).
Genome position (GRCh38, 1-based): chr12:21,801,064, A>C on the plus strand (T>G on the coding strand, the complement: ABCC9 is on the minus strand). VCF-style: chr12-21801064-A-C. GRCh37 (hg19) VCF-style: chr12-21953998-A-C.
Other names: c.4630T>G, p.Phe1544Val (NM_001377273.1); c.3763T>G, p.Phe1255Val (NM_001377274.1); c.*156T>G (NM_005691.4); short protein forms F1255V, F1544V.
Identifiers: ClinVar variation 1305624 (VCV001305624.2), dbSNP rs2137079941, ClinGen allele CA384126282.
Genomic context (GRCh38, chr12:21,801,064, plus strand): 5'-TGCATTATTTTAAATACATGTATTGTTTTAAGACACTCCTTCACATGTCTGCGCGAACAA[A>C]AGAAGCAAATACTCCATTTTCCTGAGCCAAGAGGCTTTCTGGAGTGTCATATTCTAAAAT-3'
Protein context (NP_064693.2, residues 1534-1549): LAQENGVFAS[Phe1544Val]VRADM